The following is an entry in ClinVar:

NM_145178.4(ATOH7):c.131C>A (p.Ala44Glu)

Gene: ATOH7 (atonal bHLH transcription factor 7; minus strand). Cytogenetic location: 10q21.3.
Variant type: single nucleotide variant.
Coding change: c.131C>A on transcript NM_145178.4 (MANE Select); coding-DNA position 131, C replaced by A.
Protein change: p.Ala44Glu; replaces alanine 44 with glutamic acid.
Molecular consequence: missense variant.
Genome position (GRCh38, 1-based): chr10:68,231,547, G>T on the plus strand (C>A on the coding strand, the complement: ATOH7 is on the minus strand). VCF-style: chr10-68231547-G-T. GRCh37 (hg19) VCF-style: chr10-69991304-G-T.
Other names: c.131C>A (NM_145178.2); short protein forms A44E.
Identifiers: ClinVar variation 1020419 (VCV001020419.8), dbSNP rs762666995, ClinGen allele CA5523391.
Genomic context (GRCh38, chr10:68,231,547, plus strand): 5'-CGTAAGCGGTCGAAGGCAGTGTTGAGCCCCTGCATGCGGCGGCGCTCGCGCGCGTTGGCC[G>T]CCAGGCGCCTGCGCGCCGCGCTCTCCAGCCGCCCGGCCCCGGCGCACGTGCCCGCGCACT-3'
Protein context (NP_660161.1, residues 34-54): RLESAARRRL[Ala44Glu]ANARERRRMQ

ClinVar aggregate classification (germline): Uncertain significance. Review status: criteria provided, multiple submitters, no conflicts (2 of 4 stars). 3 submissions from 3 submitters: Uncertain significance (3). Last evaluated 2022-10-12.

Allele frequency attached by ClinVar (database versions not stated): ExAC 0.00001; gnomAD 0.00001; gnomAD exomes 0.00003; TOPMed 0.00003.
gnomAD v4.1: 8 of 1,316,658 alleles (0.00061%); highest among the groups gnomAD compares: East Asian, 0.0028%; no homozygotes.

Submissions (3):

Ambry Genetics
Classification: Uncertain significance. Last evaluated: 2022-10-12. Review status: criteria provided, single submitter. Criteria: Ambry Variant Classification Scheme 2023. Collection method: clinical testing. Allele origin: germline.

Labcorp Genetics (formerly Invitae), Labcorp
Classification: Uncertain significance. Last evaluated: 2022-07-19. Review status: criteria provided, single submitter. Criteria: Invitae Variant Classification Sherloc (09022015). Collection method: clinical testing. Allele origin: germline.
Comment: In summary, the available evidence is currently insufficient to determine the role of this variant in disease. Therefore, it has been classified as a Variant of Uncertain Significance. This sequence change replaces alanine, which is neutral and non-polar, with glutamic acid, which is acidic and polar, at codon 44 of the ATOH7 protein (p.Ala44Glu). The frequency data for this variant in the population databases is considered unreliable, as metrics indicate poor data quality at this position in the gnomAD database. This variant has not been reported in the literature in individuals affected with ATOH7-related conditions. ClinVar contains an entry for this variant (Variation ID: 1020419). Algorithms developed to predict the effect of missense changes on protein structure and function (SIFT, PolyPhen-2, Align-GVGD) all suggest that this variant is likely to be disruptive.

Blueprint Genetics
Classification: Uncertain significance. Last evaluated: 2021-11-08. Review status: criteria provided, single submitter. Criteria: ACMG Guidelines, 2015. Collection method: clinical testing. Allele origin: germline.